The following is an entry in ClinVar:

ClinVar aggregate classification (germline): Conflicting classifications of pathogenicity. Review status: criteria provided, conflicting classifications (1 of 4 stars). 2 submissions from 2 submitters: Uncertain significance (1); Likely benign (1). Last evaluated 2023-07-06.

Allele frequency attached by ClinVar (database versions not stated): gnomAD 0.00001; TOPMed 0.00001.
gnomAD v4.1: 38 of 1,196,068 alleles (0.0032%); highest among the groups gnomAD compares: Non-Finnish European, 0.0042%; no homozygotes.

Submissions (2):

Labcorp Genetics (formerly Invitae), Labcorp
Classification: Uncertain significance. Last evaluated: 2023-07-06. Review status: criteria provided, single submitter. Criteria: Invitae Variant Classification Sherloc (09022015). Collection method: clinical testing. Allele origin: germline.
Comment: In summary, the available evidence is currently insufficient to determine the role of this variant in disease. Therefore, it has been classified as a Variant of Uncertain Significance. Algorithms developed to predict the effect of sequence changes on RNA splicing suggest that this variant is not likely to affect RNA splicing. This variant has been observed in individual(s) with intellectual disability (Invitae). This variant is present in population databases (no rsID available, gnomAD 0.001%). This sequence change affects codon 473 of the OPHN1 mRNA. It is a 'silent' change, meaning that it does not change the encoded amino acid sequence of the OPHN1 protein. It affects a nucleotide within the consensus splice site.

Blueprint Genetics
Classification: Likely benign. Last evaluated: 2020-05-20. Review status: criteria provided, single submitter. Criteria: ACMG Guidelines, 2015. Collection method: clinical testing. Allele origin: germline.

NM_002547.3(OPHN1):c.1419C>T (p.Ala473=)

Gene: OPHN1 (oligophrenin 1; minus strand). Cytogenetic location: Xq12.
Variant type: single nucleotide variant.
Coding change: c.1419C>T on transcript NM_002547.3 (MANE Select); coding-DNA position 1419, C replaced by T.
Protein change: p.Ala473=; no amino-acid change (alanine 473 retained).
Molecular consequence: synonymous variant.
Genome position (GRCh38, 1-based): chrX:68,113,182, G>A on the plus strand (C>T on the coding strand, the complement: OPHN1 is on the minus strand). VCF-style: chrX-68113182-G-A. GRCh37 (hg19) VCF-style: chrX-67333024-G-A.
Identifiers: ClinVar variation 2890262 (VCV002890262.4), dbSNP rs987929396, ClinGen allele CA330811579.